The following is an entry in ClinVar:

ClinVar aggregate classification (germline): Pathogenic (1 of 4 stars; one submission).

Conditions:
Multiple congenital exostosis (EXT). Also called: MULTIPLE CARTILAGINOUS EXOSTOSES; Hereditary multiple osteochondromas; Multiple osteochondromas; Multiple exostoses; Hereditary multiple exostoses; Hereditary multiple exostosis. Identifiers: Orphanet 321, MedGen C0015306, MONDO:0005508, HP:0002762.

Submission:

Labcorp Genetics (formerly Invitae), Labcorp
Classification: Pathogenic for Multiple congenital exostosis. Last evaluated: 2022-09-06. Review status: criteria provided, single submitter. Criteria: Invitae Variant Classification Sherloc (09022015). Collection method: clinical testing. Allele origin: germline.
Comment: This variant has not been reported in the literature in individuals affected with EXT1-related conditions. For these reasons, this variant has been classified as Pathogenic. This variant is not present in population databases (gnomAD no frequency). This sequence change creates a premature translational stop signal (p.Lys252Asnfs*21) in the EXT1 gene. It is expected to result in an absent or disrupted protein product. Loss-of-function variants in EXT1 are known to be pathogenic (PMID: 10679937, 11391482, 19810120).

Literature cited by the submitters: PubMed 10679937; PubMed 11391482; PubMed 19810120.

NM_000127.3(EXT1):c.756del (p.Lys252fs)

Gene: EXT1 (exostosin glycosyltransferase 1; minus strand). Cytogenetic location: 8q24.11.
Variant type: Deletion.
Coding change: c.756del on transcript NM_000127.3 (MANE Select); coding-DNA position 756, one base deleted (G; older notation c.756delG).
Protein change: p.Lys252fs; shifts the reading frame from lysine 252.
Molecular consequence: frameshift variant.
Genome position (GRCh38, 1-based): chr8:118,110,291, C deleted on the plus strand (G on the coding strand, the reverse complement: EXT1 is on the minus strand). VCF-style (leftmost placement, unchanged base first): chr8-118110290-AC-A. GRCh37 (hg19) VCF-style: chr8-119122529-AC-A.
Other names: short protein forms K252fs.
Identifiers: ClinVar variation 2029239 (VCV002029239.4), dbSNP rs2488050909, ClinGen allele CA2580078552.